The following is an entry in ClinVar:

NM_182914.3(SYNE2):c.10432-17T>G

Gene: SYNE2 (spectrin repeat containing nuclear envelope protein 2; plus strand). Cytogenetic location: 14q23.2.
Variant type: single nucleotide variant.
Coding change: c.10432-17T>G on transcript NM_182914.3 (MANE Select); 17 bases into the intron before coding-DNA position 10432, T replaced by G.
Molecular consequence: intron variant.
Genome position (GRCh38, 1-based): chr14:64,070,628, T>G. VCF-style: chr14-64070628-T-G. GRCh37 (hg19) VCF-style: chr14-64537346-T-G.
Other names: c.10432-17T>G (NM_015180.6).
Identifiers: ClinVar variation 930622 (VCV000930622.7), dbSNP rs376299946, ClinGen allele CA7221518.

ClinVar aggregate classification (germline): Benign/Likely benign. Review status: criteria provided, multiple submitters, no conflicts (2 of 4 stars). 2 submissions from 2 submitters: Benign (1); Likely benign (1). Last evaluated 2025-10-09.

Conditions:
Emery-Dreifuss muscular dystrophy 5, autosomal dominant (EDMD5). Also called: EMERY-DREIFUSS MUSCULAR DYSTROPHY 5. Identifiers: Orphanet 261, MedGen C2751805, MONDO:0013072, OMIM 612999.

Allele frequency attached by ClinVar (database versions not stated): gnomAD 0.00003 and 0.00004; gnomAD exomes 0.00005 and 0.00004; TOPMed 0.00007; ExAC 0.00012; ESP Exome Variant Server 0.00017.
gnomAD v4.1: 59 of 1,606,004 alleles (0.0037%); highest among the groups gnomAD compares: Non-Finnish European, 0.0049%; no homozygotes.

Submissions (2):

Labcorp Genetics (formerly Invitae), Labcorp
Classification: Likely benign for Emery-Dreifuss muscular dystrophy 5, autosomal dominant. Last evaluated: 2025-10-09. Review status: criteria provided, single submitter. Criteria: Invitae Variant Classification Sherloc (09022015). Collection method: clinical testing. Allele origin: germline.

Centre for Mendelian Genomics, University Medical Centre Ljubljana
Classification: Benign for Emery-Dreifuss muscular dystrophy 5, autosomal dominant. Last evaluated: 2018-10-30. Review status: criteria provided, single submitter. Criteria: ACMG Guidelines, 2015. Collection method: clinical testing. Allele origin: unknown. Affected: yes.
Comment: This variant was classified as: Benign. The following ACMG criteria were applied in classifying this variant: BS1,BS2.